The following is an entry in ClinVar:

NM_001351132.2(PEX5):c.1368_1369insGG (p.Arg457fs)

Gene: PEX5 (peroxisomal biogenesis factor 5; plus strand). Cytogenetic location: 12p13.31.
Variant type: Insertion.
Coding change: c.1368_1369insGG on transcript NM_001351132.2 (MANE Select); coding-DNA positions 1368 to 1369, GG inserted.
Protein change: p.Arg457fs; shifts the reading frame from arginine 457.
Molecular consequence: frameshift variant.
Genome position: GRCh38 VCF-style: chr12-7208642-A-AGG. GRCh37 (hg19) VCF-style: chr12-7361238-A-AGG.
Other names: c.1344_1345insGG, p.Arg449fs (NM_000319.5); c.1413_1414insGG, p.Arg472fs (NM_001131023.2); c.1257_1258insGG, p.Arg420fs (NM_001131024.2, NM_001351124.3, NM_001351126.2 and 7 more transcripts); c.1368_1369insGG, p.Arg457fs (NM_001131025.2, NM_001131026.2, NM_001300789.3 and 4 more transcripts); c.1302_1303insGG, p.Arg435fs (NM_001351135.3, NM_001351138.2); c.1359_1360insGG, p.Arg454fs (NM_001351136.2); c.1233_1234insGG, p.Arg412fs (NM_001351139.2, NM_001351140.2, NM_001374649.2); short protein forms R449fs, R472fs, R412fs, R420fs, R454fs, R457fs, R435fs.
Identifiers: ClinVar variation 2822537 (VCV002822537.3), dbSNP rs2540277461, ClinGen allele CA2739271837.

ClinVar aggregate classification (germline): Pathogenic (1 of 4 stars; one submission).

Conditions:
Peroxisome biogenesis disorder 2B (PBD2B). Identifiers: Orphanet 44, MedGen C3550234, MONDO:0008736, OMIM 202370.

Submission:

Labcorp Genetics (formerly Invitae), Labcorp
Classification: Pathogenic for Peroxisome biogenesis disorder 2B. Last evaluated: 2023-08-14. Review status: criteria provided, single submitter. Criteria: Invitae Variant Classification Sherloc (09022015). Collection method: clinical testing. Allele origin: germline.
Comment: For these reasons, this variant has been classified as Pathogenic. This sequence change creates a premature translational stop signal (p.Arg457Glyfs*16) in the PEX5 gene. It is expected to result in an absent or disrupted protein product. Loss-of-function variants in PEX5 are known to be pathogenic (PMID: 18712838, 21031596). This variant is not present in population databases (gnomAD no frequency). This variant has not been reported in the literature in individuals affected with PEX5-related conditions.

Literature cited by the submitters: PubMed 18712838; PubMed 21031596.